The following is an entry in ClinVar:

NM_017617.5(NOTCH1):c.3316C>T (p.Gln1106Ter)

Gene: NOTCH1 (notch receptor 1; minus strand). Cytogenetic location: 9q34.3.
Variant type: single nucleotide variant.
Coding change: c.3316C>T on transcript NM_017617.5 (MANE Select); coding-DNA position 3316, C replaced by T.
Protein change: p.Gln1106Ter; replaces glutamine 1106 with a stop codon.
Molecular consequence: nonsense.
Genome position (GRCh38, 1-based): chr9:136,508,241, G>A on the plus strand (C>T on the coding strand, the complement: NOTCH1 is on the minus strand). VCF-style: chr9-136508241-G-A. GRCh37 (hg19) VCF-style: chr9-139402693-G-A.
Other names: short protein forms Q1106*.
Identifiers: ClinVar variation 4291131 (VCV004291131.1).
Genomic context (GRCh38, chr9:136,508,241, plus strand): 5'-CAGAGGACCTTGATGGGCTGGGACCCGAGCTGGGTGGGCACAGCAGGTTACCTTGTCGCT[G>A]CGCAGCCACCTCACAGGACACGCTGGGCACGTCGCAGTAAAGGCCGGTCCAGCCGCTGGG-3'

ClinVar aggregate classification (germline): Pathogenic (1 of 4 stars; one submission).

Conditions:
Adams-Oliver syndrome 5 (AOS5). Identifiers: Orphanet 974, MedGen C4014970, MONDO:0014459, OMIM 616028.

Submission:

Institute of Human Genetics, University of Leipzig Medical Center
Classification: Pathogenic for Adams-Oliver syndrome 5. Last evaluated: 2025-09-22. Review status: criteria provided, single submitter. Criteria: ACMG Guidelines, 2015. Collection method: clinical testing. Allele origin: unknown. Inheritance: Autosomal dominant inheritance. Affected: yes.
Comment: Criteria applied: PVS1,PM2